The following is an entry in ClinVar:

ClinVar aggregate classification (germline): Uncertain significance. Review status: criteria provided, multiple submitters, no conflicts (2 of 4 stars). 4 submissions from 4 submitters: Uncertain significance (4). Last evaluated 2024-08-31.

Conditions:
Inborn genetic diseases. Identifiers: MedGen C0950123, MeSH D030342.
Glycogen storage disease, type V (GSD5). Also called: MCARDLE DISEASE; MUSCLE GLYCOGEN PHOSPHORYLASE DEFICIENCY; MYOPHOSPHORYLASE DEFICIENCY; PYGM DEFICIENCY; McArdle type glycogen storage disease. Identifiers: Orphanet 368, MedGen C0017924, MONDO:0009293, OMIM 232600.

Allele frequency attached by ClinVar (database versions not stated): gnomAD 0.00001; TOPMed 0.00002; ExAC 0.00004.
gnomAD v4.1: 73 of 1,608,138 alleles (0.0045%); highest among the groups gnomAD compares: Non-Finnish European, 0.0052%; no homozygotes.

Submissions (4):

Labcorp Genetics (formerly Invitae), Labcorp
Classification: Uncertain significance for Glycogen storage disease, type V. Last evaluated: 2024-08-31. Review status: criteria provided, single submitter. Criteria: Invitae Variant Classification Sherloc (09022015). Collection method: clinical testing. Allele origin: germline.
Comment: This sequence change replaces arginine, which is basic and polar, with histidine, which is basic and polar, at codon 428 of the PYGM protein (p.Arg428His). The frequency data for this variant in the population databases is considered unreliable, as metrics indicate poor data quality at this position in the gnomAD database. This variant has not been reported in the literature in individuals affected with PYGM-related conditions. ClinVar contains an entry for this variant (Variation ID: 2435341). Invitae Evidence Modeling of protein sequence and biophysical properties (such as structural, functional, and spatial information, amino acid conservation, physicochemical variation, residue mobility, and thermodynamic stability) has been performed for this missense variant. However, the output from this modeling did not meet the statistical confidence thresholds required to predict the impact of this variant on PYGM protein function. In summary, the available evidence is currently insufficient to determine the role of this variant in disease. Therefore, it has been classified as a Variant of Uncertain Significance.

Revvity Omics, Revvity
Classification: Uncertain significance for Glycogen storage disease, type V. Last evaluated: 2024-07-02. Review status: criteria provided, single submitter. Criteria: ACMG Guidelines, 2015. Collection method: clinical testing. Allele origin: germline.

Fulgent Genetics
Classification: Uncertain significance for Glycogen storage disease, type V. Last evaluated: 2024-01-29. Review status: criteria provided, single submitter. Criteria: ACMG Guidelines, 2015. Collection method: clinical testing. Allele origin: germline.

Ambry Genetics
Classification: Uncertain significance for Inborn genetic diseases. Last evaluated: 2023-06-16. Review status: criteria provided, single submitter. Criteria: Ambry Variant Classification Scheme 2023. Collection method: clinical testing. Allele origin: germline.

NM_005609.4(PYGM):c.1283G>A (p.Arg428His)

Gene: PYGM (glycogen phosphorylase, muscle associated; minus strand). Cytogenetic location: 11q13.1.
Variant type: single nucleotide variant.
Coding change: c.1283G>A on transcript NM_005609.4 (MANE Select); coding-DNA position 1283, G replaced by A.
Protein change: p.Arg428His; replaces arginine 428 with histidine.
Molecular consequence: missense variant.
Genome position (GRCh38, 1-based): chr11:64,753,639, C>T on the plus strand (G>A on the coding strand, the complement: PYGM is on the minus strand). VCF-style: chr11-64753639-C-T. GRCh37 (hg19) VCF-style: chr11-64521111-C-T.
Other names: c.1019G>A, p.Arg340His (NM_001164716.1); c.1283G>A (NM_005609.2); short protein forms R340H, R428H.
Identifiers: ClinVar variation 2435341 (VCV002435341.8), dbSNP rs767293977, ClinGen allele CA6079922.